The following is an entry in ClinVar:

ClinVar aggregate classification (germline): Uncertain significance (1 of 4 stars; one submission).

Submission:

Women's Health and Genetics/Laboratory Corporation of America, LabCorp
Classification: Uncertain significance. Last evaluated: 2025-09-05. Review status: criteria provided, single submitter. Criteria: LabCorp Variant Classification Summary - May 2015. Collection method: clinical testing. Allele origin: germline.
Comment: Variant summary: ZNF148 c.-89A>G is located in the untranslated mRNA region upstream of the initiation codon. The frequency data for this variant in gnomAD is considered unreliable, as metrics indicate poor data quality at this position. To our knowledge, no occurrence of c.-89A>G in individuals affected with ZNF148-related conditions and no experimental evidence demonstrating its impact on protein function have been reported. No submitters have cited clinical-significance assessments for this variant to ClinVar. Based on the evidence outlined above, the variant was classified as uncertain significance.

NM_021964.3(ZNF148):c.-89A>G

Gene: ZNF148 (zinc finger protein 148; minus strand). Cytogenetic location: 3q21.2.
Variant type: single nucleotide variant.
Coding change: c.-89A>G on transcript NM_021964.3 (MANE Select); 89 bases upstream of the start codon, A replaced by G.
Molecular consequence: 5 prime UTR variant. On other transcripts: intron variant (3).
Genome position (GRCh38, 1-based): chr3:125,323,381, T>C on the plus strand (A>G on the coding strand, the complement: ZNF148 is on the minus strand). VCF-style: chr3-125323381-T-C. GRCh37 (hg19) VCF-style: chr3-125042225-T-C.
Other names: c.-206A>G (NM_001348425.2, NM_001348429.2, NM_001348424.1); c.-89A>G (NM_001348427.2, NM_001348428.2, NM_001348431.2 and 3 more transcripts); c.-17+7A>G (NM_001348426.2, NM_001348430.2); c.-134+7A>G (NM_001348436.2).
Identifiers: ClinVar variation 4535691 (VCV004535691.1).